The following is an entry in ClinVar:

NM_003322.6(TULP1):c.1194C>A (p.Ser398Arg)

Gene: TULP1 (TUB like protein 1; minus strand). Cytogenetic location: 6p21.31.
Variant type: single nucleotide variant.
Coding change: c.1194C>A on transcript NM_003322.6 (MANE Select); coding-DNA position 1194, C replaced by A.
Protein change: p.Ser398Arg; replaces serine 398 with arginine.
Molecular consequence: missense variant.
Genome position (GRCh38, 1-based): chr6:35,503,767, G>T on the plus strand (C>A on the coding strand, the complement: TULP1 is on the minus strand). VCF-style: chr6-35503767-G-T. GRCh37 (hg19) VCF-style: chr6-35471544-G-T.
Other names: c.1035C>A, p.Ser345Arg (NM_001289395.2); short protein forms S345R, S398R.
Identifiers: ClinVar variation 1020473 (VCV001020473.7), dbSNP rs768366342, ClinGen allele CA363779302.

ClinVar aggregate classification (germline): Uncertain significance (1 of 4 stars; one submission).

gnomAD v4.1: 1 of 1,613,552 alleles (0.000062%); highest among the groups gnomAD compares: African/African-American, 0.0013%; no homozygotes.

Submission:

Labcorp Genetics (formerly Invitae), Labcorp
Classification: Uncertain significance. Last evaluated: 2020-06-02. Review status: criteria provided, single submitter. Criteria: Invitae Variant Classification Sherloc (09022015). Collection method: clinical testing. Allele origin: germline.
Comment: In summary, the available evidence is currently insufficient to determine the role of this variant in disease. Therefore, it has been classified as a Variant of Uncertain Significance. Algorithms developed to predict the effect of missense changes on protein structure and function output the following: SIFT: "Not Available"; PolyPhen-2: "Benign"; Align-GVGD: "Not Available". The arginine amino acid residue is found in multiple mammalian species, suggesting that this missense change does not adversely affect protein function. These predictions have not been confirmed by published functional studies and their clinical significance is uncertain. This variant has not been reported in the literature in individuals with TULP1-related conditions. This variant is not present in population databases (ExAC no frequency). This sequence change replaces serine with arginine at codon 398 of the TULP1 protein (p.Ser398Arg). The serine residue is weakly conserved and there is a moderate physicochemical difference between serine and arginine.